The following is an entry in ClinVar:

NM_001184880.2(PCDH19):c.2475_2488del (p.Cys825fs)

Genes: PCDH19 (protocadherin 19; minus strand), LOC125467768 (CDK7 strongly-dependent group 2 enhancer GRCh37_chrX:99657381-99658580; plus strand). Cytogenetic location: Xq22.1.
Variant type: Deletion.
Coding change: c.2475_2488del on transcript NM_001184880.2 (MANE Select); coding-DNA positions 2475 to 2488, 14 bases deleted (CCGCCGCTCTGAGA).
Protein change: p.Cys825fs; shifts the reading frame from cysteine 825.
Molecular consequence: frameshift variant.
Genome position (GRCh38, 1-based): chrX:100,402,652-100,402,665, TCTCAGAGCGGCGG deleted on the plus strand (CCGCCGCTCTGAGA on the coding strand, the reverse complement: PCDH19 is on the minus strand). VCF-style (leftmost placement, unchanged base first): chrX-100402651-CTCTCAGAGCGGCGG-C. GRCh37 (hg19) VCF-style: chrX-99657649-CTCTCAGAGCGGCGG-C.
Other names: c.2334_2347del, p.Cys778fs (NM_001105243.2, NM_020766.3); short protein forms C778fs, C825fs.
Identifiers: ClinVar variation 4880800 (VCV004880800.2).
Genomic context (GRCh38, chrX:100,402,651, plus strand): 5'-TGGTAGATGTGGTTAGCACTGGTGTTGCGGGTATTCTGGTTCTCCACATTCAGGAAAGTG[CTCTCAGAGCGGCGG>C]CAGCCCAGGGGCAGCGTCTGCTGGTGGTAGTCAAAATAGTTGAGGGAGGAGGTCAGGGAA-3'

ClinVar aggregate classification (germline): Likely pathogenic (1 of 4 stars; one submission).

Submission:

Dasa
Classification: Likely pathogenic. Last evaluated: 2024-11-21. Review status: criteria provided, single submitter. Criteria: DASA Assertion Criteria. Collection method: clinical testing. Allele origin: germline.
Comment: NM_001184880.2(PCDH19):c.2475_2488del (p.Cys825Trpfs*17) is a frameshift variant in PCDH19 predicted to alter the reading frame and introduce a premature termination codon and is predicted to result in an absent or altered protein product. Loss of function is an established disease mechanism for PCDH19 (PMID: 18469813; PMID: 19214208; PMID: 23712037). Also, this variant is absent from population databases. Based on the currently available evidence, this variant is classified as likely pathogenic.

Literature cited by the submitters: PubMed 18469813; PubMed 19214208; PubMed 23712037.